The following continues an entry in ClinVar:

NM_213599.3(ANO5):c.692G>T (p.Gly231Val)

Gene: ANO5. ClinVar aggregate classification (germline): Likely pathogenic. Likely pathogenic (1).

Submissions 11 to 21 of 35:

Pittsburgh Clinical Genomics Laboratory, University of Pittsburgh Medical Center
Classification: Likely pathogenic for Autosomal recessive limb-girdle muscular dystrophy type 2L. Last evaluated: 2024-02-16. Review status: criteria provided, single submitter. Criteria: ACMG Guidelines, 2015. Collection method: clinical testing. Allele origin: germline. Inheritance: Autosomal unknown. Affected: yes. Not counted in ClinVar's aggregate classification.
Comment: This sequence variant is a single nucleotide substitution (G>T) at position 692 of the coding sequence of the ANO5 gene that results in a glycine to valine amino acid change at residue 231 of the anoctamin 5 protein. This is a previously reported variant (ClinVar 2165) that has been observed in homozygous or compound heterozygous state in many individuals and families affected by limb girdle muscular dystrophy and ANO5-related muscular disorders (PMID: 32367299, 31353849, 25891276, 23606453, 20096397, 22402862, 23041008, 22980763, 23663589, 23670307, 26810512, 30919934, 31931849, 32403337, 32528171). This variant is present in 2127 of 1613328 alleles (0.1318%) in the gnomAD v4.0.0 population dataset. Multiple bioinformatic tools predict that this amino acid change would be damaging, and the Gly231 residue at this position is highly conserved across the vertebrate species examined. Studies examining the functional consequence of this variant have not been published, to our knowledge. Based upon the evidence, we consider this variant to be likely pathogenic. ACMG Criteria: PP3, PS4

Women's Health and Genetics/Laboratory Corporation of America, LabCorp
Classification: Pathogenic for Autosomal recessive limb-girdle muscular dystrophy. Last evaluated: 2024-02-07. Review status: criteria provided, single submitter. Criteria: LabCorp Variant Classification Summary - May 2015. Collection method: clinical testing. Allele origin: germline. Not counted in ClinVar's aggregate classification.
Comment: Variant summary: ANO5 c.692G>T (p.Gly231Val) results in a non-conservative amino acid change located in the Anoctamin, dimerisation domain (IPR032394) of the encoded protein sequence. Four of five in-silico tools predict a damaging effect of the variant on protein function. The variant allele was found at a frequency of 0.001 in 250958 control chromosomes in the gnomAD database, including 1 homozygotes. This frequency is not significantly higher than estimated for a pathogenic variant in ANO5 causing Limb-Girdle Muscular Dystrophy, Autosomal Recessive (0.001 vs 0.0047), allowing no conclusion about variant significance. c.692G>T has been reported in the literature in multiple bi-allelic individuals affected with muscular dystrophy type 2 (LGMD2), Miyoshi-like muscle dystrophy, and hyperCKemia (examples: Bolduc_2010, Wahbi_2013, Savarese_2015, TenDam_2019, and Gonzalez-Quereda_2020). These data indicate that the variant is very likely to be associated with disease. The following publications have been ascertained in the context of this evaluation (PMID: 20096397, 23041008, 30919934, 32403337, 25891276). ClinVar contains an entry for this variant (Variation ID: 2165). Based on the evidence outlined above, the variant was classified as pathogenic.

Mayo Clinic Laboratories, Mayo Clinic
Classification: Pathogenic. Last evaluated: 2023-11-02. Review status: criteria provided, single submitter. Criteria: ACMG Guidelines, 2015. Collection method: clinical testing. Allele origin: germline. Observed: 3 variant alleles. Not counted in ClinVar's aggregate classification.
Comment: PM3_strong, PS4

Molecular Genetics, Royal Melbourne Hospital
Classification: Likely pathogenic for Miyoshi muscular dystrophy 3. Last evaluated: 2023-03-30. Review status: criteria provided, single submitter. Criteria: ACMG Guidelines, 2015. Collection method: clinical testing. Allele origin: germline. Not counted in ClinVar's aggregate classification.
Comment: This sequence change in ANO5 is predicted to replace glycine with valine at codon 231, p.(Gly231Val). The glycine residue is moderately conserved (100 vertebrates, UCSC), and is located in a cytoplasmic domain. There is a large physicochemical difference between glycine and valine. The highest population minor allele frequency in gnomAD v2.1 is 0.3% (95/35,372 alleles, 1 homozygote) in the Latino/admixed American population. This variant has been detected as homozygous or compound heterozygous with a second pathogenic allele in multiple individuals with limb-girdle muscular dystrophy, hyperCKaemia, and pseudo-metabolic myopathy phenotypes. The variants were confirmed in trans by parental testing in at least one of the compound heterozygous individuals (PMID: 20096397, 31353849). Multiple lines of computational evidence have conflicting predictions for the missense substitution (4/6 algorithms predict deleterious). Based on the classification scheme RMH Modified ACMG Guidelines v1.5.1, this variant is classified as LIKELY PATHOGENIC. Following criteria are met: PM3_VeryStrong.

Athena Diagnostics
Classification: Pathogenic. Last evaluated: 2023-03-21. Review status: criteria provided, single submitter. Criteria: Athena Diagnostics Criteria. Collection method: clinical testing. Allele origin: unknown. Not counted in ClinVar's aggregate classification.
Comment: The frequency of this variant in the general population is consistent with pathogenicity. This variant has been identified in multiple unrelated individuals with clinical features associated with limb girdle muscular dystrophy. In multiple individuals, this variant has been seen with a single recessive pathogenic variant in the same gene, suggesting this variant may also be pathogenic. Computational tools predict that this variant is damaging.

Mendelics
Classification: Pathogenic for Autosomal recessive limb-girdle muscular dystrophy type 2L. Last evaluated: 2022-12-12. Review status: criteria provided, single submitter. Criteria: Mendelics Assertion Criteria 2017. Collection method: clinical testing. Allele origin: unknown. Not counted in ClinVar's aggregate classification.

MGZ Medical Genetics Center
Classification: Likely pathogenic for Autosomal recessive limb-girdle muscular dystrophy type 2L. Last evaluated: 2022-07-15. Review status: criteria provided, single submitter. Criteria: ACMG Guidelines, 2015. Collection method: clinical testing. Allele origin: germline. Affected: yes. Observed: 1 variant allele. Not counted in ClinVar's aggregate classification.
Comment: ACMG criteria applied: PM3_STR, PM2_SUP, PP1

3billion
Classification: Pathogenic for Autosomal recessive limb-girdle muscular dystrophy type 2L. Last evaluated: 2022-01-03. Review status: criteria provided, single submitter. Criteria: ACMG Guidelines, 2015. Collection method: clinical testing. Allele origin: germline. Affected: yes. Observed: 1 heterozygote. Not counted in ClinVar's aggregate classification.
Comment: Same nucleotide change resulting in same amino acid change has been previously reported as pathogenic/likely pathogenic with strong evidence (ClinVar ID: VCV000002165, PS1_S). The variant has been reported to be in trans with a pathogenic variant as either compound heterozygous or homozygous in at least 2 similarly affected unrelated individuals(PMID: 25891276, 22402862, 23606453, 22980763, PM3_S). It is observed at an extremely low frequency in the gnomAD v2.1.1 dataset (total allele frequency: 0.000970, PM2_M). Therefore, this variant is classified as pathogenic according to the recommendation of ACMG/AMP guideline.

Victorian Clinical Genetics Services, Murdoch Childrens Research Institute
Classification: Pathogenic for Autosomal recessive limb-girdle muscular dystrophy type 2L. Last evaluated: 2020-06-11. Review status: criteria provided, single submitter. Criteria: ACMG Guidelines, 2015. Collection method: clinical testing. Allele origin: germline. Affected: yes. Not counted in ClinVar's aggregate classification.
Comment: Based on the classification scheme VCGS_Germline_v1.1.1, this variant is classified as Pathogenic. Following criteria are met: 0102 - Loss-of-function is a known mechanism of disease for this gene. (N) 0108 - This gene is known to be associated with both recessive and dominant disease. Both dominant and recessive condition have been reported in this gene with no clear genotype and phenotype correlation (PMID: 25891276, PMID: 28176803). (N) 0200 - Variant is predicted to result in a missense amino acid change from a glycine to a valine (exon 8 of 22). (N) 0251 - Variant is heterozygous. (N) 0304 - Variant is present in gnomAD <0.01 for a recessive condition (272 heterozygotes, 0 homozygotes). (P) 0501 - Missense variant is highly conserved with a major amino acid change. (P) 0600 - Variant is located in an annotated domain or motif (dimerisation domain of Ca+-activated chloride-channel, anoctamin; PDB, NBI). (N) 0705 - No comparable variants have previous evidence for pathogenicity. (N) 0801 - Strong previous evidence of pathogenicity in unrelated individuals. The variant has been previously reported in multiple patients with ANO5-related myopathy, in a homozygous state or compound heterozygous with another variant (ClinVar, PMID: 31353849) (P) 1208 - Inheritance information for this variant is not currently available. (N) Legend: (P) - Pathogenic, (N) - Neutral, (B) - Benign

Fulgent Genetics
Classification: Pathogenic for Gnathodiaphyseal dysplasia; Autosomal recessive limb-girdle muscular dystrophy type 2L; Miyoshi muscular dystrophy 3. Last evaluated: 2018-10-31. Review status: criteria provided, single submitter. Criteria: ACMG Guidelines, 2015. Collection method: clinical testing. Allele origin: unknown. Not counted in ClinVar's aggregate classification.

NeuroMeGen, Hospital Clinico Santiago de Compostela
Classification: Likely pathogenic for Autosomal recessive limb-girdle muscular dystrophy type 2L. Last evaluated: 2018-10-08. Review status: criteria provided, single submitter. Criteria: ACMG Guidelines, 2015. Collection method: clinical testing. Allele origin: paternal. Affected: yes. Observed: 1 compound heterozygote. Not counted in ClinVar's aggregate classification.